The following is an entry in ClinVar:

ClinVar aggregate classification (germline): Conflicting classifications of pathogenicity. Review status: criteria provided, conflicting classifications (1 of 4 stars). 9 submissions from 9 submitters: Uncertain significance (5); Benign (1); Likely benign (3). Last evaluated 2025-12-14.

Conditions:
Cardiovascular phenotype. Identifiers: MedGen CN230736.
Hereditary cancer-predisposing syndrome. Also called: Neoplastic Syndromes, Hereditary; Tumor predisposition; Hereditary Cancer Syndrome; Hereditary neoplastic syndrome. Identifiers: Orphanet 140162, MedGen C0027672, MeSH D009386, MONDO:0015356.
NF1-related disorder. Also called: NF1-related condition. Identifiers: MedGen CN379171.
Café-au-lait macules with pulmonary stenosis (WTSN). Also called: PULMONIC STENOSIS WITH CAFE-AU-LAIT SPOTS. Identifiers: MedGen C0553586, MONDO:0008672, OMIM 193520.
Neurofibromatosis-Noonan syndrome (NFNS). Also called: NEUROFIBROMATOSIS WITH NOONAN PHENOTYPE. Identifiers: Orphanet 638, MedGen C2931482, MONDO:0011035, OMIM 601321. Disease mechanism: loss of function.
Neurofibromatosis, type 1 (NF1). Also called: VON RECKLINGHAUSEN DISEASE; NEUROFIBROMATOSIS, TYPE I, SOMATIC; Peripheral type neurofibromatosis; Neurofibromatosis, type I. Identifiers: Orphanet 636, MedGen C0027831, MONDO:0018975, OMIM 162200. Disease mechanism: loss of function.
Juvenile myelomonocytic leukemia (JMML). Also called: LEUKEMIA, JUVENILE MYELOMONOCYTIC, SOMATIC. Identifiers: Orphanet 86834, MedGen C0349639, MONDO:0011908, OMIM 607785, HP:0012209.
Neurofibromatosis, familial spinal (FSNF). Identifiers: Orphanet 636, MedGen C1834235, MONDO:0008078, OMIM 162210. Disease mechanism: loss of function.

Allele frequency attached by ClinVar (database versions not stated): gnomAD exomes 0.00001; TOPMed 0.00001; ExAC 0.00002.
gnomAD v4.1: 20 of 1,613,658 alleles (0.0012%); highest among the groups gnomAD compares: Non-Finnish European, 0.0016%; no homozygotes.

Submissions (9):

Labcorp Genetics (formerly Invitae), Labcorp
Classification: Benign for Neurofibromatosis, type 1. Last evaluated: 2025-12-14. Review status: criteria provided, single submitter. Criteria: Invitae Variant Classification Sherloc (09022015). Collection method: clinical testing. Allele origin: germline.

Quest Diagnostics Nichols Institute San Juan Capistrano
Classification: Uncertain significance. Last evaluated: 2024-09-28. Review status: criteria provided, single submitter. Criteria: Quest Diagnostics criteria. Collection method: clinical testing. Allele origin: unknown.
Comment: The NF1 c.7333A>G (p.Ile2445Val) variant has been reported in a large-scale case-control study in an affected individual with breast cancer (PMID: 33471991 (2021), see also LOVD). The frequency of this variant in the general population, 0.000026 (3/113660 chromosomes (Genome Aggregation Database)), is uninformative in the assessment of its pathogenicity. Analysis of this variant using bioinformatics tools for the prediction of the effect of amino acid changes on protein structure and function yielded predictions that this variant is benign. Based on the available information, we are unable to determine the clinical significance of this variant.

Blueprint Genetics
Classification: Likely benign. Last evaluated: 2024-08-17. Review status: criteria provided, single submitter. Criteria: ACMG Guidelines, 2015. Collection method: clinical testing. Allele origin: germline.

Women's Health and Genetics/Laboratory Corporation of America, LabCorp
Classification: Uncertain significance. Last evaluated: 2023-10-11. Review status: criteria provided, single submitter. Criteria: LabCorp Variant Classification Summary - May 2015. Collection method: clinical testing. Allele origin: germline.
Comment: Variant summary: NF1 c.7333A>G (p.Ile2445Val) results in a conservative amino acid change in the encoded protein sequence. Five of five in-silico tools predict a benign effect of the variant on protein function. The variant allele was found at a frequency of 1.2e-05 in 251348 control chromosomes. The available data on variant occurrences in the general population are insufficient to allow any conclusion about variant significance. To our knowledge, no occurrence of c.7333A>G in individuals affected with Neurofibromatosis Type 1 and no experimental evidence demonstrating its impact on protein function have been reported. Five submitters have cited clinical-significance assessments for this variant to ClinVar after 2014. Multiple submitters reported the variant with conflicting assessments; three submitters classified the variant as a variant of uncertain significance, while two submitters classified it as likely benign. Based on the evidence outlined above, the variant was classified as uncertain significance.

PreventionGenetics, part of Exact Sciences
Classification: Uncertain significance for NF1-related condition. Last evaluated: 2023-07-05. Review status: criteria provided, single submitter. Criteria: ACMG Guidelines, 2015. Collection method: clinical testing. Allele origin: germline.
Comment: The NF1 c.7396A>G variant is predicted to result in the amino acid substitution p.Ile2466Val. To our knowledge, this variant has not been reported in the literature. This variant is reported in 0.0026% of alleles in individuals of European (Non-Finnish) descent in gnomAD and has conflicting interpretations of likely benign and uncertain in ClinVar. Additionally, a valine (Val) is present in multiple species at the p.Ile2466 residue. Although we suspect that this variant may be benign, at this time, the clinical significance of this variant is uncertain due to the absence of conclusive functional and genetic evidence.

Sema4
Classification: Uncertain significance for Hereditary cancer-predisposing syndrome. Last evaluated: 2022-02-19. Review status: criteria provided, single submitter. Criteria: Sema4 Curation Guidelines. Collection method: curation. Allele origin: germline.
Comment: The NF1 c.7333A>G (p.I2445V) variant has been reported in heterozygosity in at least one individual with breast cancer (PMID: 33471991). This variant was observed in 3/113660 chromosomes in the Non-Finnish European population according to the Genome Aggregation Database (PMID: 32461654), and has been reported in ClinVar (Variation ID: 216411). In silico tools suggest the impact of the variant on protein function is benign, though these predictions have not been confirmed by functional studies. The evidence is insufficient to meet ACMG/AMP criteria for classifying the variant as benign or pathogenic. Thus, the clinical significance of this variant is currently uncertain.

GeneDx
Classification: Likely benign. Last evaluated: 2020-12-09. Review status: criteria provided, single submitter. Criteria: GeneDx Variant Classification Process June 2021. Collection method: clinical testing. Allele origin: germline. Affected: yes.

Ambry Genetics
Classification: Likely benign for Cardiovascular phenotype; Hereditary cancer-predisposing syndrome. Last evaluated: 2020-09-28. Review status: criteria provided, single submitter. Criteria: Ambry Variant Classification Scheme 2023. Collection method: clinical testing. Allele origin: germline.

Fulgent Genetics
Classification: Uncertain significance for Neurofibromatosis, type 1; Neurofibromatosis, familial spinal; Café-au-lait macules with pulmonary stenosis; Neurofibromatosis-Noonan syndrome; Juvenile myelomonocytic leukemia. Last evaluated: 2018-10-31. Review status: criteria provided, single submitter. Criteria: ACMG Guidelines, 2015. Collection method: clinical testing. Allele origin: unknown.

Literature cited by the submitters: PubMed 33471991 (cited by Quest Diagnostics Nichols Institute San Juan Capistrano and Sema4).

NM_001042492.3(NF1):c.7396A>G (p.Ile2466Val)

Gene: NF1 (neurofibromin 1; plus strand). Cytogenetic location: 17q11.2.
Variant type: single nucleotide variant.
Coding change: c.7396A>G on transcript NM_001042492.3 (MANE Select); coding-DNA position 7396, A replaced by G.
Protein change: p.Ile2466Val; replaces isoleucine 2466 with valine.
Molecular consequence: missense variant.
Genome position (GRCh38, 1-based): chr17:31,350,257, A>G. VCF-style: chr17-31350257-A-G. GRCh37 (hg19) VCF-style: chr17-29677275-A-G.
Other names: c.7333A>G, p.Ile2445Val (NM_000267.4); short protein forms I2445V, I2466V.
Identifiers: ClinVar variation 216411 (VCV000216411.19), dbSNP rs748027595, ClinGen allele CA339497.